The following is an entry in ClinVar:

NM_001199138.2(NLRC4):c.281C>T (p.Ser94Leu)

Gene: NLRC4 (NLR family CARD domain containing 4; minus strand). Cytogenetic location: 2p22.3.
Variant type: single nucleotide variant.
Coding change: c.281C>T on transcript NM_001199138.2 (MANE Select); coding-DNA position 281, C replaced by T.
Protein change: p.Ser94Leu; replaces serine 94 with leucine.
Molecular consequence: missense variant. On other transcripts: intron variant (1).
Genome position (GRCh38, 1-based): chr2:32,251,583, G>A on the plus strand (C>T on the coding strand, the complement: NLRC4 is on the minus strand). VCF-style: chr2-32251583-G-A. GRCh37 (hg19) VCF-style: chr2-32476652-G-A.
Other names: c.281C>T, p.Ser94Leu (NM_001199139.2, NM_021209.5); c.262+836C>T (NM_001302504.1); short protein forms S94L.
Identifiers: ClinVar variation 663197 (VCV000663197.11), dbSNP rs764987185, ClinGen allele CA1602168.

ClinVar aggregate classification (germline): Uncertain significance. Review status: criteria provided, multiple submitters, no conflicts (2 of 4 stars). 3 submissions from 3 submitters: Uncertain significance (3). Last evaluated 2025-09-26.

Conditions:
Autoinflammatory syndrome. Identifiers: Orphanet 93665, MedGen C3890737, MONDO:0019751.
Inborn genetic diseases. Identifiers: MedGen C0950123, MeSH D030342.
Periodic fever-infantile enterocolitis-autoinflammatory syndrome. Also called: Autoinflammation with infantile enterocolitis. Identifiers: Orphanet 436166, MedGen C4015067, MONDO:0014472, OMIM 616050.
Familial cold autoinflammatory syndrome 4 (FCAS4). Identifiers: Orphanet 47045, Orphanet 576349, MedGen C4015276, MONDO:0014498, OMIM 616115.

Allele frequency attached by ClinVar (database versions not stated): ExAC 0.00001; TOPMed 0.00002; gnomAD exomes 0.00006 and 0.00001; gnomAD 0.00006.
gnomAD v4.1: 92 of 1,597,378 alleles (0.0058%); highest among the groups gnomAD compares: Non-Finnish European, 0.0075%; no homozygotes.

Submissions (3):

Labcorp Genetics (formerly Invitae), Labcorp
Classification: Uncertain significance for Periodic fever-infantile enterocolitis-autoinflammatory syndrome; Familial cold autoinflammatory syndrome 4. Last evaluated: 2025-09-26. Review status: criteria provided, single submitter. Criteria: Invitae Variant Classification Sherloc (09022015). Collection method: clinical testing. Allele origin: germline.
Comment: This sequence change replaces serine, which is neutral and polar, with leucine, which is neutral and non-polar, at codon 94 of the NLRC4 protein (p.Ser94Leu). This variant is present in population databases (rs764987185, gnomAD 0.009%). This variant has not been reported in the literature in individuals affected with NLRC4-related conditions. ClinVar contains an entry for this variant (Variation ID: 663197). Invitae Evidence Modeling of protein sequence and biophysical properties (such as structural, functional, and spatial information, amino acid conservation, physicochemical variation, residue mobility, and thermodynamic stability) indicates that this missense variant is not expected to disrupt NLRC4 protein function with a negative predictive value of 80%. In summary, the available evidence is currently insufficient to determine the role of this variant in disease. Therefore, it has been classified as a Variant of Uncertain Significance.

Ambry Genetics
Classification: Uncertain significance for Inborn genetic diseases. Last evaluated: 2024-09-03. Review status: criteria provided, single submitter. Criteria: Ambry Variant Classification Scheme 2023. Collection method: clinical testing. Allele origin: germline.

Genome Diagnostics Laboratory, The Hospital for Sick Children
Classification: Uncertain significance for Autoinflammatory syndrome. Last evaluated: 2019-02-01. Review status: criteria provided, single submitter. Criteria: ACMG Guidelines, 2015. Collection method: clinical testing. Allele origin: germline. Affected: yes.